The following is an entry in ClinVar:

ClinVar aggregate classification (germline): Uncertain significance (1 of 4 stars; one submission).

Conditions:
Lipoic acid synthetase deficiency. Also called: HYPERGLYCINEMIA, LACTIC ACIDOSIS, AND SEIZURES. Identifiers: Orphanet 401859, MedGen C3280887, MONDO:0013762, OMIM 614462.

Submission:

Labcorp Genetics (formerly Invitae), Labcorp
Classification: Uncertain significance for Lipoic acid synthetase deficiency. Last evaluated: 2022-06-14. Review status: criteria provided, single submitter. Criteria: Invitae Variant Classification Sherloc (09022015). Collection method: clinical testing. Allele origin: germline.
Comment: This sequence change replaces cysteine, which is neutral and slightly polar, with phenylalanine, which is neutral and non-polar, at codon 211 of the LIAS protein (p.Cys211Phe). This variant is not present in population databases (gnomAD no frequency). This variant has not been reported in the literature in individuals affected with LIAS-related conditions. Algorithms developed to predict the effect of missense changes on protein structure and function are either unavailable or do not agree on the potential impact of this missense change (SIFT: "Deleterious"; PolyPhen-2: "Probably Damaging"; Align-GVGD: "Class C0"). In summary, the available evidence is currently insufficient to determine the role of this variant in disease. Therefore, it has been classified as a Variant of Uncertain Significance.

NM_006859.4(LIAS):c.632G>T (p.Cys211Phe)

Gene: LIAS (lipoic acid synthetase; plus strand). Cytogenetic location: 4p14.
Variant type: single nucleotide variant.
Coding change: c.632G>T on transcript NM_006859.4 (MANE Select); coding-DNA position 632, G replaced by T.
Protein change: p.Cys211Phe; replaces cysteine 211 with phenylalanine.
Molecular consequence: missense variant. On other transcripts: intron variant (1).
Genome position (GRCh38, 1-based): chr4:39,467,541, G>T. VCF-style: chr4-39467541-G-T. GRCh37 (hg19) VCF-style: chr4-39469161-G-T.
Other names: c.323G>T, p.Cys108Phe (NM_001363700.2); c.632G>T, p.Cys211Phe (NM_194451.3); c.608+2199G>T (NM_001278590.2); short protein forms C211F, C108F.
Identifiers: ClinVar variation 2006471 (VCV002006471.4), dbSNP rs2475004643, ClinGen allele CA356664884.